The following is an entry in ClinVar:

ClinVar aggregate classification (germline): Pathogenic (1 of 4 stars; one submission).

Submission:

Labcorp Genetics (formerly Invitae), Labcorp
Classification: Pathogenic. Last evaluated: 2025-09-07. Review status: criteria provided, single submitter. Criteria: Invitae Variant Classification Sherloc (09022015). Collection method: clinical testing. Allele origin: germline.
Comment: This sequence change creates a premature translational stop signal (p.Met507Cysfs*6) in the RFX6 gene. It is expected to result in an absent or disrupted protein product. Loss-of-function variants in RFX6 are known to be pathogenic (PMID: 20148032). This variant is not present in population databases (gnomAD no frequency). This variant has not been reported in the literature in individuals affected with RFX6-related conditions. For these reasons, this variant has been classified as Pathogenic.

Literature cited by the submitters: PubMed 20148032.

NM_173560.4(RFX6):c.1519del (p.Met507fs)

Gene: RFX6 (regulatory factor X6; plus strand). Cytogenetic location: 6q22.1.
Variant type: Deletion.
Coding change: c.1519del on transcript NM_173560.4 (MANE Select); coding-DNA position 1519, one base deleted (A; older notation c.1519delA).
Protein change: p.Met507fs; shifts the reading frame from methionine 507.
Molecular consequence: frameshift variant.
Genome position (GRCh38, 1-based): chr6:116,923,188, A deleted; the last of 2 consecutive A bases (chr6:116,923,187-116,923,188); deleting either gives the same sequence. VCF-style (leftmost placement, unchanged base first): chr6-116923186-TA-T. GRCh37 (hg19) VCF-style: chr6-117244349-TA-T.
Other names: short protein forms M507fs.
Identifiers: ClinVar variation 4726793 (VCV004726793.1).